The following is an entry in ClinVar:

ClinVar aggregate classification (germline): Uncertain significance (1 of 4 stars; one submission).

Submission:

Ambry Genetics
Classification: Uncertain significance. Last evaluated: 2025-04-05. Review status: criteria provided, single submitter. Criteria: Ambry Variant Classification Scheme 2023. Collection method: clinical testing. Allele origin: germline.
Comment: The p.N871H variant (also known as c.2611A>C), located in coding exon 1 of the TET2 gene, results from an A to C substitution at nucleotide position 2611. The asparagine at codon 871 is replaced by histidine, an amino acid with similar properties. This amino acid position is conserved. In addition, this alteration is predicted to be tolerated by in silico analysis. Based on the available evidence, the clinical significance of this variant remains unclear.

NM_001127208.3(TET2):c.2611A>C (p.Asn871His)

Genes: TET2 (tet methylcytosine dioxygenase 2; plus strand), TET2-AS1 (TET2 antisense RNA 1; minus strand). Cytogenetic location: 4q24.
Variant type: single nucleotide variant.
Coding change: c.2611A>C on transcript NM_001127208.3 (MANE Select); coding-DNA position 2611, A replaced by C.
Protein change: p.Asn871His; replaces asparagine 871 with histidine.
Molecular consequence: missense variant.
Genome position (GRCh38, 1-based): chr4:105,236,553, A>C. VCF-style: chr4-105236553-A-C. GRCh37 (hg19) VCF-style: chr4-106157710-A-C.
Other names: c.2611A>C, p.Asn871His (NM_017628.4); short protein forms N871H.
Identifiers: ClinVar variation 3967533 (VCV003967533.1).